The following is an entry in ClinVar:

ClinVar aggregate classification (germline): Uncertain significance (1 of 4 stars; one submission).

Conditions:
Cardiomyopathy (CMYO). Also called: Cardiomyopathies. Identifiers: Orphanet 167848, MedGen C0878544, MONDO:0004994, HP:0001638. Inheritance: Various modes of inheritance.

Submission:

Color Diagnostics, LLC DBA Color Health
Classification: Uncertain significance for Cardiomyopathy. Last evaluated: 2024-03-07. Review status: criteria provided, single submitter. Criteria: ACMG Guidelines, 2015. Collection method: clinical testing. Allele origin: germline.
Comment: This missense variant replaces tyrosine with cysteine at codon 674 of the RYR2 protein. Computational prediction suggests that this variant may have deleterious impact on protein structure and function (internally defined REVEL score threshold >= 0.7, PMID: 27666373). To our knowledge, functional studies have not been reported for this variant. This variant has not been reported in individuals affected with cardiovascular disorders in the literature. This variant has not been identified in the general population by the Genome Aggregation Database (gnomAD). The available evidence is insufficient to determine the role of this variant in disease conclusively. Therefore, this variant is classified as a Variant of Uncertain Significance.

NM_001035.3(RYR2):c.2021A>G (p.Tyr674Cys)

Gene: RYR2 (ryanodine receptor 2; plus strand). Cytogenetic location: 1q43.
Variant type: single nucleotide variant.
Coding change: c.2021A>G on transcript NM_001035.3 (MANE Select); coding-DNA position 2021, A replaced by G.
Protein change: p.Tyr674Cys; replaces tyrosine 674 with cysteine.
Molecular consequence: missense variant.
Genome position (GRCh38, 1-based): chr1:237,496,570, A>G. VCF-style: chr1-237496570-A-G. GRCh37 (hg19) VCF-style: chr1-237659870-A-G.
Other names: short protein forms Y674C.
Identifiers: ClinVar variation 2774258 (VCV002774258.2), dbSNP rs2545835355, ClinGen allele CA345391295.